The following is an entry in ClinVar:

ClinVar aggregate classification (germline): Pathogenic (1 of 4 stars; one submission).

Conditions:
Hereditary breast ovarian cancer syndrome. Also called: BRCA1- and BRCA2-Associated Hereditary Breast and Ovarian Cancer; Breast and ovarian cancer; Hereditary breast and ovarian cancer syndrome; Hereditary breast and ovarian cancer syndrome (HBOC); Hereditary breast and/or ovarian cancer syndrome; Hereditary breast and ovarian cancer. Identifiers: Orphanet 145, MedGen C0677776, MeSH D061325, MONDO:0003582. Disease mechanism: loss of function.

Submission:

Women's Health and Genetics/Laboratory Corporation of America, LabCorp
Classification: Pathogenic for Hereditary breast ovarian cancer syndrome. Last evaluated: 2026-02-03. Review status: criteria provided, single submitter. Criteria: LabCorp Variant Classification Summary - May 2015. Collection method: clinical testing. Allele origin: germline.
Comment: Variant summary: BRCA2 c.1448delC (p.Ala483GlufsX2) results in a premature termination codon, predicted to cause a truncation of the encoded protein or absence of the protein due to nonsense mediated decay, which are commonly known mechanisms for disease. The variant was absent in 244382 control chromosomes. To our knowledge, no occurrence of c.1448delC in individuals affected with BRCA2-related conditions and no experimental evidence demonstrating its impact on protein function have been reported. No submitters have cited clinical-significance assessments for this variant to ClinVar. Based on the evidence outlined above, the variant was classified as pathogenic.

Literature cited by the submitters: PubMed 27225819; PubMed 34572941; PubMed 32028173.

NM_000059.4(BRCA2):c.1448del (p.Ala483fs)

Gene: BRCA2 (BRCA2 DNA repair associated; plus strand). Cytogenetic location: 13q13.1.
Variant type: Deletion.
Coding change: c.1448del on transcript NM_000059.4 (MANE Select); coding-DNA position 1448, one base deleted (C; older notation c.1448delC).
Protein change: p.Ala483fs; shifts the reading frame from alanine 483.
Molecular consequence: frameshift variant. On other transcripts: non-coding transcript variant (1), intron variant (1).
Genome position (GRCh38, 1-based): chr13:32,332,926, C deleted. VCF-style (leftmost placement, unchanged base first): chr13-32332925-GC-G. GRCh37 (hg19) VCF-style: chr13-32907062-GC-G.
Other names: c.1448delC (NM_000059.4); c.1448del, p.Ala483fs (NM_001406719.1, NM_001406720.1, NM_001406721.1 and 1 more transcripts); c.424+1896del (NM_001406722.1); short protein forms A483fs.
Identifiers: ClinVar variation 4848062 (VCV004848062.1).